The following is an entry in ClinVar:

ClinVar aggregate classification (germline): Likely benign (0 of 4 stars; one submission).

Conditions:
HAP1-related disorder. Also called: HAP1-related condition.

Allele frequency attached by ClinVar (database versions not stated): ExAC 0.00207; 1000 Genomes Project 0.00220; ESP Exome Variant Server 0.00240; 1000 Genomes Project 30x 0.00250; gnomAD 0.00285; TOPMed 0.00319; gnomAD exomes 0.00466.
gnomAD v4.1: 7,221 of 1,608,852 alleles (0.45%); highest among the groups gnomAD compares: Non-Finnish European, 0.56%; 19 homozygotes.

Submission:

PreventionGenetics, part of Exact Sciences
Classification: Likely benign for HAP1-related condition. Last evaluated: 2022-02-10. Review status: no assertion criteria provided. Collection method: clinical testing. Allele origin: germline.
Comment: This variant is classified as likely benign based on ACMG/AMP sequence variant interpretation guidelines (Richards et al. 2015 PMID: 25741868, with internal and published modifications).

NM_177977.3(HAP1):c.346C>T (p.Arg116Trp)

Gene: HAP1 (huntingtin associated protein 1; minus strand). Cytogenetic location: 17q21.2.
Variant type: single nucleotide variant.
Coding change: c.346C>T on transcript NM_177977.3 (MANE Select); coding-DNA position 346, C replaced by T.
Protein change: p.Arg116Trp; replaces arginine 116 with tryptophan.
Molecular consequence: missense variant.
Genome position (GRCh38, 1-based): chr17:41,734,289, G>A on the plus strand (C>T on the coding strand, the complement: HAP1 is on the minus strand). VCF-style: chr17-41734289-G-A. GRCh37 (hg19) VCF-style: chr17-39890541-G-A.
Other names: c.346C>T, p.Arg116Trp (NM_001079870.1, NM_001079871.1, NM_001367459.1 and 3 more transcripts); short protein forms R116W.
Identifiers: ClinVar variation 3038751 (VCV003038751.2), dbSNP rs189020240, ClinGen allele CA8564835.